The following is an entry in ClinVar:

ClinVar aggregate classification (germline): Uncertain significance (1 of 4 stars; one submission).

Allele frequency attached by ClinVar (database versions not stated): 1000 Genomes Project 30x 0.00016; 1000 Genomes Project 0.00020.
gnomAD v4.1: 82 of 765,068 alleles (0.011%); highest among the groups gnomAD compares: African/African-American, 0.037%; no homozygotes.

Submission:

Labcorp Genetics (formerly Invitae), Labcorp
Classification: Uncertain significance. Last evaluated: 2025-03-31. Review status: criteria provided, single submitter. Criteria: Invitae Variant Classification Sherloc (09022015). Collection method: clinical testing. Allele origin: germline.
Comment: This variant occurs in the SNORD118 gene, which encodes an RNA molecule that does not result in a protein product. This variant is present in population databases (rs150885627, gnomAD 0.03%). This variant has not been reported in the literature in individuals affected with SNORD118-related conditions. ClinVar contains an entry for this variant (Variation ID: 1353873). Experimental studies and prediction algorithms are not available or were not evaluated, and the functional significance of this variant is currently unknown. In summary, the available evidence is currently insufficient to determine the role of this variant in disease. Therefore, it has been classified as a Variant of Uncertain Significance.

NR_033294.2(SNORD118):n.101C>T

Genes: SNORD118 (small nucleolar RNA, C/D box 118; minus strand), TMEM107 (transmembrane protein 107; minus strand). Cytogenetic location: 17p13.1.
Variant type: single nucleotide variant.
Molecular consequence: non-coding transcript variant (on NR_033294.2). On other transcripts: 3 prime UTR variant (5).
Genome position: GRCh38 VCF-style: chr17-8173488-G-A. GRCh37 (hg19) VCF-style: chr17-8076806-G-A.
Other names: c.*715C>T (NM_001351278.2, NM_001351279.2, NM_001351280.2 and 2 more transcripts).
Identifiers: ClinVar variation 1353873 (VCV001353873.4), dbSNP rs150885627, ClinGen allele CA8370630.